The following is an entry in ClinVar:

NM_004431.5(EPHA2):c.2030G>A (p.Arg677His)

Gene: EPHA2 (EPH receptor A2; minus strand). Cytogenetic location: 1p36.13.
Variant type: single nucleotide variant.
Coding change: c.2030G>A on transcript NM_004431.5 (MANE Select); coding-DNA position 2030, G replaced by A.
Protein change: p.Arg677His; replaces arginine 677 with histidine.
Molecular consequence: missense variant.
Genome position (GRCh38, 1-based): chr1:16,133,203, C>T on the plus strand (G>A on the coding strand, the complement: EPHA2 is on the minus strand). VCF-style: chr1-16133203-C-T. GRCh37 (hg19) VCF-style: chr1-16459698-C-T.
Other names: c.1868G>A, p.Arg623His (NM_001329090.2); short protein forms R623H, R677H.
Identifiers: ClinVar variation 875750 (VCV000875750.6), dbSNP rs145962326, ClinGen allele CA624976.
Genomic context (GRCh38, chr1:16,133,203, plus strand): 5'-CCCTCTCCACCCAGTGTGGGCAGGCCCCAAGCCTCACATTTGGAGATGACGCCCTCTAGG[C>T]GGATGATGTTGTGGTGGCTGAACTGGCCCATGATGCCGGCCTCGCCGAGGAAGTCCACTC-3'
Protein context (NP_004422.2, residues 667-687): MGQFSHHNII[Arg677His]LEGVISKYKP

ClinVar aggregate classification (germline): Conflicting classifications of pathogenicity. Review status: criteria provided, conflicting classifications (1 of 4 stars). 3 submissions from 3 submitters: Uncertain significance (2); Benign (1). Last evaluated 2025-03-03.

Conditions:
Cataract 6 multiple types. Also called: CATARACT, AGE-RELATED CORTICAL, 2; CATARACT 6, POSTERIOR POLAR; CATARACT 6, CONGENITAL TOTAL. Identifiers: Orphanet 91492, MedGen C1861825, MONDO:0007288, OMIM 116600.
Inborn genetic diseases. Identifiers: MedGen C0950123, MeSH D030342.

Allele frequency attached by ClinVar (database versions not stated): gnomAD 0.00001; TOPMed 0.00002; ExAC 0.00004; ESP Exome Variant Server 0.00008.
gnomAD v4.1: 18 of 1,613,562 alleles (0.0011%); highest among the groups gnomAD compares: Admixed American, 0.012%; no homozygotes.

Submissions (3):

Ambry Genetics
Classification: Uncertain significance for Inborn genetic diseases. Last evaluated: 2025-03-03. Review status: criteria provided, single submitter. Criteria: Ambry Variant Classification Scheme 2023. Collection method: clinical testing. Allele origin: germline.

Labcorp Genetics (formerly Invitae), Labcorp
Classification: Uncertain significance for Cataract 6 multiple types. Last evaluated: 2025-02-05. Review status: criteria provided, single submitter. Criteria: Invitae Variant Classification Sherloc (09022015). Collection method: clinical testing. Allele origin: germline.
Comment: This sequence change replaces arginine, which is basic and polar, with histidine, which is basic and polar, at codon 677 of the EPHA2 protein (p.Arg677His). This variant is present in population databases (rs145962326, gnomAD 0.01%). This variant has not been reported in the literature in individuals affected with EPHA2-related conditions. ClinVar contains an entry for this variant (Variation ID: 875750). Invitae Evidence Modeling of protein sequence and biophysical properties (such as structural, functional, and spatial information, amino acid conservation, physicochemical variation, residue mobility, and thermodynamic stability) indicates that this missense variant is not expected to disrupt EPHA2 protein function with a negative predictive value of 95%. In summary, the available evidence is currently insufficient to determine the role of this variant in disease. Therefore, it has been classified as a Variant of Uncertain Significance.

Illumina Laboratory Services, Illumina
Classification: Benign for Cataract 6 multiple types. Last evaluated: 2018-01-12. Review status: criteria provided, single submitter. Criteria: ICSL Variant Classification Criteria 13 December 2019. Collection method: clinical testing. Allele origin: germline.
Comment: This variant was observed in the ICSL laboratory as part of a predisposition screen in an ostensibly healthy population. It had not been previously curated by ICSL or reported in the Human Gene Mutation Database (HGMD: prior to June 1st, 2018), and was therefore a candidate for classification through an automated scoring system. Utilizing variant allele frequency, disease prevalence and penetrance estimates, and inheritance mode, an automated score was calculated to assess if this variant is too frequent to cause the disease. Based on the score and internal cut-off values, a variant classified as benign is not then subjected to further curation. The score for this variant resulted in a classification of benign for this disease.